The following is an entry in ClinVar:

NM_206933.4(USH2A):c.10699del (p.Gln3566_Leu3567insTer)

Gene: USH2A (usherin; minus strand). Cytogenetic location: 1q41.
Variant type: Deletion.
Coding change: c.10699del on transcript NM_206933.4 (MANE Select); coding-DNA position 10699, one base deleted (C; older notation c.10699delC).
Protein change: p.Gln3566_Leu3567insTer.
Molecular consequence: nonsense.
Genome position (GRCh38, 1-based): chr1:215,782,083, G deleted on the plus strand (C on the coding strand, the reverse complement: USH2A is on the minus strand). VCF-style (leftmost placement, unchanged base first): chr1-215782082-AG-A. GRCh37 (hg19) VCF-style: chr1-215955424-AG-A.
Other names: c.10699delC (NM_206933.4).
Identifiers: ClinVar variation 869481 (VCV000869481.20), dbSNP rs1661659605, ClinGen allele CA916082115.

ClinVar aggregate classification (germline): Pathogenic. Review status: criteria provided, multiple submitters, no conflicts (2 of 4 stars). 10 submissions from 8 submitters: Pathogenic (9). 1 of the submissions does not count toward it. Last evaluated 2026-05-20.

Conditions:
Retinitis pigmentosa 39 (RP39). Identifiers: Orphanet 791, MedGen C3151138, MONDO:0013436, OMIM 613809.
Usher syndrome type 2A. Also called: USHER SYNDROME, TYPE IIA; RETINAL DISEASE IN USHER SYNDROME TYPE IIA, MODIFIER OF. Identifiers: Orphanet 231178, Orphanet 886, MedGen C1848634, MONDO:0010169, OMIM 276901.
USH2A-related disorder. Also called: USH2A-related condition; USH2A-related disorders. Identifiers: MedGen CN239332.

Allele frequency attached by ClinVar (database versions not stated): gnomAD exomes 0.00001.

Submissions (10):

PreventionGenetics, part of Exact Sciences
Classification: Pathogenic for USH2A-related condition. Last evaluated: 2026-05-20. Review status: criteria provided, single submitter. Criteria: ACMG Guidelines, 2015. Collection method: clinical testing. Allele origin: germline.
Comment: The USH2A c.10699delC variant is predicted to result in premature protein termination (p.Leu3567*). This variant has been reported as pathogenic for Usher syndrome type 2 (Galli-Resta. 2018. PubMed ID: 30073356). This variant has not been reported in one large public population database (gnomAD), indicating that this variant is rare in the general population. Based on these observations, the c.10699delC variant is classified as pathogenic.

3billion
Classification: Pathogenic for Retinitis pigmentosa 39. Last evaluated: 2025-05-22. Review status: criteria provided, single submitter. Criteria: ACMG Guidelines, 2015. Collection method: clinical testing. Allele origin: germline. Affected: yes.
Comment: The variant is observed at an extremely low frequency in the gnomAD v4.1.0 dataset (total allele frequency: <0.001%). Predicted Consequence/Location: Stop-gained (nonsense): predicted to result in a loss or disruption of normal protein function through nonsense-mediated decay (NMD) or protein truncation. Multiple pathogenic variants are reported downstream of the variant. The variant has been reported at least twice as pathogenic with clinical assertions and evidence for the classification (ClinVar ID: VCV000869481 /PMID: 30073356). Therefore, this variant is classified as Pathogenic according to the recommendation of ACMG/AMP guideline.

Labcorp Genetics (formerly Invitae), Labcorp
Classification: Pathogenic. Last evaluated: 2024-04-18. Review status: criteria provided, single submitter. Criteria: Invitae Variant Classification Sherloc (09022015). Collection method: clinical testing. Allele origin: germline.
Comment: This sequence change creates a premature translational stop signal (p.Leu3567*) in the USH2A gene. It is expected to result in an absent or disrupted protein product. Loss-of-function variants in USH2A are known to be pathogenic (PMID: 10729113, 10909849, 20507924, 25649381). This variant is not present in population databases (gnomAD no frequency). This premature translational stop signal has been observed in individual(s) with deafness, inherited retinal degeneration, autosomal recessive retinitis pigmentosa and/or Usher syndrome (PMID: 30073356, 31827275, 32037395, 33576794). ClinVar contains an entry for this variant (Variation ID: 869481). For these reasons, this variant has been classified as Pathogenic.

Baylor Genetics
Classification: Pathogenic for Retinitis pigmentosa 39. Last evaluated: 2023-11-11. Review status: criteria provided, single submitter. Criteria: ACMG Guidelines, 2015. Collection method: clinical testing. Allele origin: unknown.

Genome-Nilou Lab
Classification: Pathogenic for Retinitis pigmentosa 39. Last evaluated: 2023-11-04. Review status: criteria provided, single submitter. Criteria: ACMG Guidelines, 2015. Collection method: clinical testing. Allele origin: germline. Affected: no.

Genome-Nilou Lab
Classification: Pathogenic for Usher syndrome type 2A. Last evaluated: 2023-11-04. Review status: criteria provided, single submitter. Criteria: ACMG Guidelines, 2015. Collection method: clinical testing. Allele origin: germline. Affected: no.

DBGen Ocular Genomics
Classification: Pathogenic for Retinitis pigmentosa 39. Last evaluated: 2021-06-28. Review status: criteria provided, single submitter. Criteria: ACMG Guidelines, 2015. Collection method: clinical testing. Allele origin: germline. Affected: yes. Observed: 1 variant allele.

DBGen Ocular Genomics
Classification: Pathogenic for Usher syndrome type 2A. Last evaluated: 2020-01-01. Review status: criteria provided, single submitter. Criteria: ACMG Guidelines, 2015. Collection method: clinical testing. Allele origin: unknown. Inheritance: Autosomal recessive inheritance. Affected: yes.
Comment: Class 5 ACMG Guidelines, 2015

Victorian Clinical Genetics Services, Murdoch Childrens Research Institute
Classification: Pathogenic for Usher syndrome type 2A. Last evaluated: 2018-05-29. Review status: criteria provided, single submitter. Criteria: ACMG Guidelines, 2015. Collection method: clinical testing. Allele origin: unknown. Affected: yes.
Comment: A heterozygous nonsense variant, NM_206933.2(USH2A):c.10699delC, has been identified in exon 54 of 72 of the USH2A gene. The variant is predicted to result in a premature stop codon at position 3567 of the protein (NP_996816.2(USH2A):p.(Leu3567*)). This variant is predicted to result in loss of protein function either through truncation (including the loss of multiple domains) or nonsense-mediated decay. The variant is absent in population databases (gnomAD). It has not been previously reported in clinical cases however, multiple truncating variants (upstream and downstream) have previously been reported as pathogenic (ClinVar). Based on the information available at the time of curation and in conjunction with the c.2299delG variant, this variant has been classified as PATHOGENIC.NB: This variant has been reclassified as pathogenic due to confirmed compound heterozygous inheritance, consistent with Usher syndrome.

Natera, Inc.
Classification: Pathogenic for Usher syndrome type 2A. Last evaluated: 2020-08-10. Review status: no assertion criteria provided. Collection method: clinical testing. Allele origin: germline. Not counted in ClinVar's aggregate classification.

Literature cited by the submitters: PubMed 30073356 (cited by 3billion and Labcorp Genetics (formerly Invitae), Labcorp); PubMed 10729113 (cited by Labcorp Genetics (formerly Invitae), Labcorp); PubMed 10909849 (cited by Labcorp Genetics (formerly Invitae), Labcorp); PubMed 20507924 (cited by Labcorp Genetics (formerly Invitae), Labcorp); PubMed 25649381 (cited by Labcorp Genetics (formerly Invitae), Labcorp); PubMed 31827275 (cited by Labcorp Genetics (formerly Invitae), Labcorp); PubMed 32037395 (cited by Labcorp Genetics (formerly Invitae), Labcorp); PubMed 33576794 (cited by Labcorp Genetics (formerly Invitae), Labcorp).